The following is an entry in ClinVar:

ClinVar aggregate classification (germline): Uncertain significance (1 of 4 stars; one submission).

Conditions:
Hereditary cancer-predisposing syndrome. Also called: Neoplastic Syndromes, Hereditary; Tumor predisposition; Hereditary neoplastic syndrome; Hereditary Cancer Syndrome. Identifiers: Orphanet 140162, MedGen C0027672, MeSH D009386, MONDO:0015356.

Submission:

Ambry Genetics
Classification: Uncertain significance for Hereditary cancer-predisposing syndrome. Last evaluated: 2024-01-09. Review status: criteria provided, single submitter. Criteria: Ambry Variant Classification Scheme 2023. Collection method: clinical testing. Allele origin: germline.
Comment: The p.P586T variant (also known as c.1756C>A), located in coding exon 9 of the BRCA1 gene, results from a C to A substitution at nucleotide position 1756. The proline at codon 586 is replaced by threonine, an amino acid with highly similar properties. This amino acid position is not well conserved in available vertebrate species. In addition, the in silico prediction for this alteration is inconclusive. Since supporting evidence is limited at this time, the clinical significance of this alteration remains unclear.

NM_007294.4(BRCA1):c.1756C>A (p.Pro586Thr)

Gene: BRCA1 (BRCA1 DNA repair associated; minus strand). Cytogenetic location: 17q21.31.
Variant type: single nucleotide variant.
Coding change: c.1756C>A on transcript NM_007294.4 (MANE Select); coding-DNA position 1756, C replaced by A.
Protein change: p.Pro586Thr; replaces proline 586 with threonine.
Molecular consequence: missense variant. On other transcripts: intron variant (137).
Genome position (GRCh38, 1-based): chr17:43,093,775, G>T on the plus strand (C>A on the coding strand, the complement: BRCA1 is on the minus strand). VCF-style: chr17-43093775-G-T. GRCh37 (hg19) VCF-style: chr17-41245792-G-T.
Other names: c.643+969C>A (NM_001408470.1, NM_001408464.1, NM_001408468.1 and 3 more transcripts); c.646+969C>A (NM_001408461.1, NM_001408469.1, NM_001408453.1 and 11 more transcripts); c.784+969C>A (NM_001408397.1, NM_001408401.1, NM_001408396.1 and 13 more transcripts); c.664+969C>A (NM_001408436.1, NM_001408444.1, NM_001408438.1 and 12 more transcripts); c.1756C>A, p.Pro586Thr (NM_001407626.1, NM_001407639.1, NM_001407640.1 and 30 more transcripts); c.1753C>A, p.Pro585Thr (NM_001407627.1, NM_001407628.1, NM_001407629.1 and 22 more transcripts); c.1747C>A, p.Pro583Thr (NM_001407646.1, NM_001407647.1); c.1633C>A, p.Pro545Thr (NM_001407648.1, NM_001407664.1, NM_001407665.1 and 19 more transcripts); and 40 more; short protein forms P559T, P560T, P583T, P585T, P586T, P290T, P418T, P458T.
Identifiers: ClinVar variation 3226109 (VCV003226109.1), dbSNP rs80357153, ClinGen allele CA10598517.